The following is an entry in ClinVar:

ClinVar aggregate classification (germline): Pathogenic/Likely pathogenic. Review status: criteria provided, multiple submitters, no conflicts (2 of 4 stars). 3 submissions from 3 submitters: Pathogenic (1); Likely pathogenic (2). Last evaluated 2025-05-20.

Conditions:
Type 2 diabetes mellitus. Also called: Type II diabetes mellitus. Identifiers: MedGen C0011860, MeSH D003924, MONDO:0005148, OMIM 125853, HP:0005978.

Allele frequency attached by ClinVar (database versions not stated): gnomAD exomes below 0.00001.
gnomAD v4.1: 2 of 1,614,198 alleles (0.00012%); highest among the groups gnomAD compares: Non-Finnish European, 0.00017%; no homozygotes.

Submissions (3):

Revvity Omics, Revvity
Classification: Likely pathogenic. Last evaluated: 2025-05-20. Review status: criteria provided, single submitter. Criteria: ACMG Guidelines, 2015. Collection method: clinical testing. Allele origin: germline.

Baylor Genetics
Classification: Likely pathogenic for Type 2 diabetes mellitus. Last evaluated: 2023-08-16. Review status: criteria provided, single submitter. Criteria: ACMG Guidelines, 2015. Collection method: clinical testing. Allele origin: unknown.

Labcorp Genetics (formerly Invitae), Labcorp
Classification: Pathogenic. Last evaluated: 2021-07-09. Review status: criteria provided, single submitter. Criteria: Invitae Variant Classification Sherloc (09022015). Collection method: clinical testing. Allele origin: germline.
Comment: This sequence change creates a premature translational stop signal (p.Trp232*) in the ABCC8 gene. It is expected to result in an absent or disrupted protein product. Loss-of-function variants in ABCC8 are known to be pathogenic (PMID: 20685672, 23345197). This variant is not present in population databases (ExAC no frequency). This premature translational stop signal has been observed in individual(s) with focal congenital hyperinsulinism (PMID: 23275527). For these reasons, this variant has been classified as Pathogenic.

Literature cited by the submitters: PubMed 20685672 (cited by Labcorp Genetics (formerly Invitae), Labcorp); PubMed 23345197 (cited by Labcorp Genetics (formerly Invitae), Labcorp); PubMed 23275527 (cited by Labcorp Genetics (formerly Invitae), Labcorp).

NM_000352.6(ABCC8):c.696G>A (p.Trp232Ter)

Gene: ABCC8 (ATP binding cassette subfamily C member 8; minus strand). Cytogenetic location: 11p15.1.
Variant type: single nucleotide variant.
Coding change: c.696G>A on transcript NM_000352.6 (MANE Select); coding-DNA position 696, G replaced by A.
Protein change: p.Trp232Ter; replaces tryptophan 232 with a stop codon.
Molecular consequence: nonsense. On other transcripts: non-coding transcript variant (1).
Genome position (GRCh38, 1-based): chr11:17,461,709, C>T on the plus strand (G>A on the coding strand, the complement: ABCC8 is on the minus strand). VCF-style: chr11-17461709-C-T. GRCh37 (hg19) VCF-style: chr11-17483256-C-T.
Other names: c.696G>A, p.Trp232Ter (NM_001287174.3, NM_001351295.2, NM_001351296.2 and 1 more transcripts); c.696G>A (NM_000352.5); short protein forms W232*.
Identifiers: ClinVar variation 1361635 (VCV001361635.8), dbSNP rs2133679771, ClinGen allele CA379778663.